The following is an entry in ClinVar:

NM_001283009.2(RTEL1):c.1664G>A (p.Gly555Glu)

Genes: RTEL1 (regulator of telomere elongation helicase 1; plus strand), RTEL1-TNFRSF6B (RTEL1-TNFRSF6B readthrough (NMD candidate); plus strand). Cytogenetic location: 20q13.33.
Variant type: single nucleotide variant.
Coding change: c.1664G>A on transcript NM_001283009.2 (MANE Select); coding-DNA position 1664, G replaced by A.
Protein change: p.Gly555Glu; replaces glycine 555 with glutamic acid.
Molecular consequence: missense variant. On other transcripts: non-coding transcript variant (1).
Genome position (GRCh38, 1-based): chr20:63,688,328, G>A. VCF-style: chr20-63688328-G-A. GRCh37 (hg19) VCF-style: chr20-62319681-G-A.
Other names: c.995G>A, p.Gly332Glu (NM_001283010.1); c.1664G>A, p.Gly555Glu (NM_016434.4); c.1736G>A, p.Gly579Glu (NM_032957.5); short protein forms G332E, G579E, G555E.
Identifiers: ClinVar variation 3948370 (VCV003948370.1).

ClinVar aggregate classification (germline): Uncertain significance (1 of 4 stars; one submission).

Conditions:
Inborn genetic diseases. Identifiers: MedGen C0950123, MeSH D030342.

Submission:

Ambry Genetics
Classification: Uncertain significance for Inborn genetic diseases. Last evaluated: 2025-05-05. Review status: criteria provided, single submitter. Criteria: Ambry Variant Classification Scheme 2023. Collection method: clinical testing. Allele origin: germline.
Comment: The p.G555E variant (also known as c.1664G>A), located in coding exon 19 of the RTEL1 gene, results from a G to A substitution at nucleotide position 1664. The glycine at codon 555 is replaced by glutamic acid, an amino acid with similar properties. This amino acid position is conserved. In addition, this alteration is predicted to be deleterious by in silico analysis. Based on the available evidence, the clinical significance of this variant remains unclear.